The following is an entry in ClinVar:

NM_017909.4(RMND1):c.181G>T (p.Gly61Cys)

Gene: RMND1 (required for meiotic nuclear division 1 homolog; minus strand). Cytogenetic location: 6q25.1.
Variant type: single nucleotide variant.
Coding change: c.181G>T on transcript NM_017909.4 (MANE Select); coding-DNA position 181, G replaced by T.
Protein change: p.Gly61Cys; replaces glycine 61 with cysteine.
Molecular consequence: missense variant. On other transcripts: intron variant (1).
Genome position (GRCh38, 1-based): chr6:151,445,631, C>A on the plus strand (G>T on the coding strand, the complement: RMND1 is on the minus strand). VCF-style: chr6-151445631-C-A. GRCh37 (hg19) VCF-style: chr6-151766766-C-A.
Other names: c.-7+6385G>T (NM_001271937.2); c.181G>T (NM_017909.2); short protein forms G61C.
Identifiers: ClinVar variation 3593258 (VCV003593258.3).

ClinVar aggregate classification (germline): Uncertain significance. Review status: criteria provided, multiple submitters, no conflicts (2 of 4 stars). 3 submissions from 3 submitters: Uncertain significance (3). Last evaluated 2025-08-29.

Conditions:
Combined oxidative phosphorylation defect type 11. Also called: Combined oxidative phosphorylation deficiency 11; ENCEPHALONEUROMYOPATHY, INFANTILE, DUE TO MITOCHONDRIAL TRANSLATION DEFECT. Identifiers: Orphanet 324535, MedGen C5190991, MONDO:0013969, OMIM 614922.
Inborn genetic diseases. Identifiers: MedGen C0950123, MeSH D030342.

gnomAD v4.1: 9 of 1,614,008 alleles (0.00056%); highest among the groups gnomAD compares: Non-Finnish European, 0.00076%; no homozygotes.

Submissions (3):

Ambry Genetics
Classification: Uncertain significance for Inborn genetic diseases. Last evaluated: 2025-08-29. Review status: criteria provided, single submitter. Criteria: Ambry Variant Classification Scheme 2023. Collection method: clinical testing. Allele origin: germline.

GeneDx
Classification: Uncertain significance. Last evaluated: 2025-02-26. Review status: criteria provided, single submitter. Criteria: GeneDx Variant Classification Process June 2021. Collection method: clinical testing. Allele origin: germline. Affected: yes.
Comment: Not observed at significant frequency in large population cohorts (gnomAD); In silico analysis indicates that this missense variant does not alter protein structure/function; Has not been previously published as pathogenic or benign to our knowledge

Fulgent Genetics
Classification: Uncertain significance for Combined oxidative phosphorylation defect type 11. Last evaluated: 2024-05-04. Review status: criteria provided, single submitter. Criteria: ACMG Guidelines, 2015. Collection method: clinical testing. Allele origin: germline.